The following is an entry in ClinVar:

ClinVar aggregate classification (germline): Likely benign. Review status: criteria provided, multiple submitters, no conflicts (2 of 4 stars). 4 submissions from 4 submitters: Likely benign (4). Last evaluated 2024-07-15.

Conditions:
Aortic aneurysm, familial thoracic 7 (AAT7). Also called: AORTIC DISSECTION, FAMILIAL, WITH OR WITHOUT AORTIC ANEURYSM. Identifiers: MedGen C3151077, MONDO:0013418, OMIM 613780.
Familial thoracic aortic aneurysm and aortic dissection (TAAD). Also called: Thoracic aortic aneurysms and dissections. Identifiers: Orphanet 91387, MedGen C4707243, MONDO:0019625.

Allele frequency attached by ClinVar (database versions not stated): gnomAD exomes below 0.00001 and 0.00001; gnomAD 0.00001 and 0.00002; TOPMed 0.00001.
gnomAD v4.1: 17 of 1,614,080 alleles (0.0011%); highest among the groups gnomAD compares: South Asian, 0.0033%; no homozygotes.

Submissions (4):

Labcorp Genetics (formerly Invitae), Labcorp
Classification: Likely benign for Aortic aneurysm, familial thoracic 7. Last evaluated: 2024-07-15. Review status: criteria provided, single submitter. Criteria: Invitae Variant Classification Sherloc (09022015). Collection method: clinical testing. Allele origin: germline.

Blueprint Genetics
Classification: Likely benign. Last evaluated: 2023-10-16. Review status: criteria provided, single submitter. Criteria: ACMG Guidelines, 2015. Collection method: clinical testing. Allele origin: germline.

Ambry Genetics
Classification: Likely benign for Familial thoracic aortic aneurysm and aortic dissection. Last evaluated: 2020-10-06. Review status: criteria provided, single submitter. Criteria: Ambry Variant Classification Scheme 2023. Collection method: clinical testing. Allele origin: germline.

GeneDx
Classification: Likely benign. Last evaluated: 2017-09-27. Review status: criteria provided, single submitter. Criteria: GeneDx Variant Classification (06012015). Collection method: clinical testing. Allele origin: germline. Affected: yes.
Comment: This variant is considered likely benign or benign based on one or more of the following criteria: it is a conservative change, it occurs at a poorly conserved position in the protein, it is predicted to be benign by multiple in silico algorithms, and/or has population frequency not consistent with disease.

NM_053025.4(MYLK):c.957G>A (p.Glu319=)

Gene: MYLK (myosin light chain kinase; minus strand). Cytogenetic location: 3q21.1.
Variant type: single nucleotide variant.
Coding change: c.957G>A on transcript NM_053025.4 (MANE Select); coding-DNA position 957, G replaced by A.
Protein change: p.Glu319=; no amino-acid change (glutamic acid 319 retained).
Molecular consequence: synonymous variant.
Genome position (GRCh38, 1-based): chr3:123,734,039, C>T on the plus strand (G>A on the coding strand, the complement: MYLK is on the minus strand). VCF-style: chr3-123734039-C-T. GRCh37 (hg19) VCF-style: chr3-123452886-C-T.
Other names: c.429G>A, p.Glu143= (NM_001321309.2); c.957G>A, p.Glu319= (NM_053026.4, NM_053027.4, NM_053028.4).
Identifiers: ClinVar variation 221176 (VCV000221176.13), dbSNP rs864622770, ClinGen allele CA349766.
Genomic context (GRCh38, chr3:123,734,039, plus strand): 5'-CTGAAGGACCGGGGTCTGCGGGGCCGTTCTGGGCGAGTCCTTGCATGACTCCAGCTTGGA[C>T]TCCCTTGGGGGCTGAGGCTGGCTGTTTGCAGCCCAGGGTGGGGAGCCACCTCTCTGGGGG-3'
Protein context (NP_444253.3, residues 309-329): AANSQPQPPR[Glu319=]SKLESCKDSP